The following is an entry in ClinVar:

ClinVar aggregate classification (germline): Uncertain significance (1 of 4 stars; one submission).

Conditions:
Spastic paraplegia. Identifiers: MedGen C0037772, HP:0001258.

Allele frequency attached by ClinVar (database versions not stated): ExAC 0.00001.

Submission:

Labcorp Genetics (formerly Invitae), Labcorp
Classification: Uncertain significance for Spastic paraplegia. Last evaluated: 2022-03-31. Review status: criteria provided, single submitter. Criteria: Invitae Variant Classification Sherloc (09022015). Collection method: clinical testing. Allele origin: germline.
Comment: This sequence change replaces serine, which is neutral and polar, with phenylalanine, which is neutral and non-polar, at codon 1833 of the SACS protein (p.Ser1833Phe). This variant is not present in population databases (gnomAD no frequency). This variant has not been reported in the literature in individuals affected with SACS-related conditions. Advanced modeling of protein sequence and biophysical properties (such as structural, functional, and spatial information, amino acid conservation, physicochemical variation, residue mobility, and thermodynamic stability) performed at Invitae indicates that this missense variant is not expected to disrupt SACS protein function. In summary, the available evidence is currently insufficient to determine the role of this variant in disease. Therefore, it has been classified as a Variant of Uncertain Significance.

NM_014363.6(SACS):c.5498C>T (p.Ser1833Phe)

Gene: SACS (sacsin molecular chaperone; minus strand). Cytogenetic location: 13q12.12.
Variant type: single nucleotide variant.
Coding change: c.5498C>T on transcript NM_014363.6 (MANE Select); coding-DNA position 5498, C replaced by T.
Protein change: p.Ser1833Phe; replaces serine 1833 with phenylalanine.
Molecular consequence: missense variant.
Genome position (GRCh38, 1-based): chr13:23,338,378, G>A on the plus strand (C>T on the coding strand, the complement: SACS is on the minus strand). VCF-style: chr13-23338378-G-A. GRCh37 (hg19) VCF-style: chr13-23912517-G-A.
Other names: c.5057C>T, p.Ser1686Phe (NM_001278055.2); short protein forms S1686F, S1833F.
Identifiers: ClinVar variation 1955670 (VCV001955670.5), dbSNP rs758464505, ClinGen allele CA6911242.